The following is an entry in ClinVar:

NM_001142800.2(EYS):c.7751C>G (p.Thr2584Ser)

Gene: EYS (EGF-like photoreceptor maintenance factor; minus strand). Cytogenetic location: 6q12.
Variant type: single nucleotide variant.
Coding change: c.7751C>G on transcript NM_001142800.2 (MANE Select); coding-DNA position 7751, C replaced by G.
Protein change: p.Thr2584Ser; replaces threonine 2584 with serine.
Molecular consequence: missense variant.
Genome position (GRCh38, 1-based): chr6:63,778,153, G>C on the plus strand (C>G on the coding strand, the complement: EYS is on the minus strand). VCF-style: chr6-63778153-G-C. GRCh37 (hg19) VCF-style: chr6-64488046-G-C.
Other names: c.7751C>G, p.Thr2584Ser (NM_001292009.2); short protein forms T2584S.
Identifiers: ClinVar variation 624250 (VCV000624250.49), dbSNP rs557892188, ClinGen allele CA3876777.

ClinVar aggregate classification (germline): Uncertain significance. Review status: criteria provided, multiple submitters, no conflicts (2 of 4 stars). 5 submissions from 5 submitters: Uncertain significance (4). 1 of the submissions does not count toward it. Last evaluated 2026-01-12.

Conditions:
Retinitis pigmentosa 25 (RP25). Identifiers: Orphanet 791, MedGen C1864446, MONDO:0011272, OMIM 602772.
Retinitis pigmentosa (RP). Identifiers: Orphanet 791, MedGen C0035334, MeSH D012174, MONDO:0019200, OMIM 268000. Inheritance: Autosomal dominant, autosomal recessive and X linked inheritance.

Allele frequency attached by ClinVar (database versions not stated): TOPMed 0.00011; gnomAD exomes 0.00012; ExAC 0.00014; gnomAD 0.00017 and 0.00019.
gnomAD v4.1: 205 of 1,551,766 alleles (0.013%); highest among the groups gnomAD compares: Middle Eastern, 0.066%; no homozygotes.

Submissions (5):

Labcorp Genetics (formerly Invitae), Labcorp
Classification: Uncertain significance. Last evaluated: 2026-01-12. Review status: criteria provided, single submitter. Criteria: Invitae Variant Classification Sherloc (09022015). Collection method: clinical testing. Allele origin: germline.
Comment: This sequence change replaces threonine, which is neutral and polar, with serine, which is neutral and polar, at codon 2584 of the EYS protein (p.Thr2584Ser). This variant is present in population databases (rs557892188, gnomAD 0.02%). This missense change has been observed in individual(s) with inherited retinal diseases (PMID: 38927702). ClinVar contains an entry for this variant (Variation ID: 624250). Invitae Evidence Modeling of protein sequence and biophysical properties (such as structural, functional, and spatial information, amino acid conservation, physicochemical variation, residue mobility, and thermodynamic stability) has been performed for this missense variant. However, the output from this modeling did not meet the statistical confidence thresholds required to predict the impact of this variant on EYS protein function. In summary, the available evidence is currently insufficient to determine the role of this variant in disease. Therefore, it has been classified as a Variant of Uncertain Significance.

Blueprint Genetics
Classification: Uncertain significance. Last evaluated: 2024-11-21. Review status: criteria provided, single submitter. Criteria: ACMG Guidelines, 2015. Collection method: clinical testing. Allele origin: germline.

Fulgent Genetics
Classification: Uncertain significance for Retinitis pigmentosa 25. Last evaluated: 2021-07-12. Review status: criteria provided, single submitter. Criteria: ACMG Guidelines, 2015. Collection method: clinical testing. Allele origin: unknown.

CeGaT Center for Human Genetics Tuebingen
Classification: Uncertain significance. Last evaluated: 2018-07-01. Review status: criteria provided, single submitter. Criteria: CeGaT Center For Human Genetics Tuebingen Variant Classification Criteria Version 2. Collection method: clinical testing. Allele origin: germline. Affected: yes. Observed: 1 variant allele.

Natera, Inc.
Classification: Uncertain significance for Retinitis pigmentosa. Last evaluated: 2020-01-09. Review status: no assertion criteria provided. Collection method: clinical testing. Allele origin: germline. Not counted in ClinVar's aggregate classification.

Literature cited by the submitters: PubMed 38927702 (cited by Labcorp Genetics (formerly Invitae), Labcorp).